The following is an entry in ClinVar:

ClinVar aggregate classification (germline): Uncertain significance (1 of 4 stars; one submission).

Submission:

GeneDx
Classification: Uncertain significance. Last evaluated: 2025-07-21. Review status: criteria provided, single submitter. Criteria: GeneDx Variant Classification Process June 2021. Collection method: clinical testing. Allele origin: germline. Affected: yes.
Comment: Not observed at significant frequency in large population cohorts (gnomAD); In silico analysis suggests that this variant does not alter splicing; Has not been previously published as pathogenic or benign to our knowledge

NM_001170629.2(CHD8):c.2730G>A (p.Arg910=)

Gene: CHD8 (chromodomain helicase DNA binding protein 8; minus strand). Cytogenetic location: 14q11.2.
Variant type: single nucleotide variant.
Coding change: c.2730G>A on transcript NM_001170629.2 (MANE Select); coding-DNA position 2730, G replaced by A.
Protein change: p.Arg910=; no amino-acid change (arginine 910 retained).
Molecular consequence: synonymous variant.
Genome position (GRCh38, 1-based): chr14:21,408,312, C>T on the plus strand (G>A on the coding strand, the complement: CHD8 is on the minus strand). VCF-style: chr14-21408312-C-T. GRCh37 (hg19) VCF-style: chr14-21876471-C-T.
Other names: c.1893G>A, p.Arg631= (NM_020920.4).
Identifiers: ClinVar variation 4686854 (VCV004686854.1).